The following is an entry in ClinVar:

NM_000059.4(BRCA2):c.1792dup (p.Thr598fs)

Gene: BRCA2 (BRCA2 DNA repair associated; plus strand). Cytogenetic location: 13q13.1.
Variant type: Duplication.
Coding change: c.1792dup on transcript NM_000059.4 (MANE Select); coding-DNA position 1792, one base duplicated (A; older notation c.1792dupA).
Protein change: p.Thr598fs; shifts the reading frame from threonine 598.
Molecular consequence: frameshift variant.
Genome position (GRCh38, 1-based): chr13:32,333,270, A duplicated; the last of 3 consecutive A bases (chr13:32,333,268-32,333,270); duplicating any one gives the same sequence. VCF-style (leftmost placement, unchanged base first): chr13-32333267-G-GA. GRCh37 (hg19) VCF-style: chr13-32907404-G-GA.
Other names: c.1792dupA (NM_000059.3); short protein forms T598fs.
Identifiers: ClinVar variation 409463 (VCV000409463.10), dbSNP rs886040389, ClinGen allele CA16613841.
Genomic context (GRCh38, chr13:32,333,267, plus strand): 5'-GCAGGTTTAATATCCACTTTGAAAAAGAAAACAAATAAGTTTATTTATGCTATACATGAT[G>GA]AAACATCTTATAAAGGAAAAAAAATACCGAAAGACCAAAAATCAGAACTAATTAACTGTT-3'

ClinVar aggregate classification (germline): Pathogenic. Review status: reviewed by expert panel (3 of 4 stars). 4 submissions from 4 submitters: Pathogenic (1). 3 of the submissions do not count toward it. Last evaluated 2017-12-15.

Conditions:
Hereditary breast ovarian cancer syndrome. Also called: Hereditary breast and ovarian cancer syndrome; Hereditary breast and/or ovarian cancer syndrome; BRCA1- and BRCA2-Associated Hereditary Breast and Ovarian Cancer; Hereditary breast and ovarian cancer syndrome (HBOC); Hereditary breast and ovarian cancer; Breast and ovarian cancer. Identifiers: Orphanet 145, MedGen C0677776, MeSH D061325, MONDO:0003582. Disease mechanism: loss of function.
Breast-ovarian cancer, familial, susceptibility to, 2 (BROVCA2). Also called: BRCA2 Hereditary Breast and Ovarian Cancer. Identifiers: Orphanet 145, MedGen C2675520, MONDO:0012933, OMIM 612555. Disease mechanism: loss of function.
Hereditary cancer-predisposing syndrome. Also called: Hereditary neoplastic syndrome; Neoplastic Syndromes, Hereditary; Tumor predisposition; Hereditary Cancer Syndrome. Identifiers: Orphanet 140162, MedGen C0027672, MeSH D009386, MONDO:0015356.

Submissions (4):

Evidence-based Network for the Interpretation of Germline Mutant Alleles (ENIGMA)
Classification: Pathogenic for Breast-ovarian cancer, familial, susceptibility to, 2. Last evaluated: 2017-12-15. Review status: reviewed by expert panel. Criteria: ENIGMA BRCA1/2 Classification Criteria (2017-06-29). Collection method: curation. Allele origin: germline. Study: ENIGMA.
Comment: Variant allele predicted to encode a truncated non-functional protein.

Labcorp Genetics (formerly Invitae), Labcorp
Classification: Pathogenic for Hereditary breast ovarian cancer syndrome. Last evaluated: 2026-01-11. Review status: criteria provided, single submitter. Criteria: Invitae Variant Classification Sherloc (09022015). Collection method: clinical testing. Allele origin: germline. Not counted in ClinVar's aggregate classification.
Comment: This sequence change creates a premature translational stop signal (p.Thr598Asnfs*4) in the BRCA2 gene. It is expected to result in an absent or disrupted protein product. Loss-of-function variants in BRCA2 are known to be pathogenic (PMID: 20104584). This variant is not present in population databases (gnomAD no frequency). This variant has not been reported in the literature in individuals affected with BRCA2-related conditions. ClinVar contains an entry for this variant (Variation ID: 409463). Algorithms developed to predict the effect of sequence changes on RNA splicing suggest that this variant may disrupt the consensus splice site. For these reasons, this variant has been classified as Pathogenic.

Ambry Genetics
Classification: Pathogenic for Hereditary cancer-predisposing syndrome. Last evaluated: 2025-05-23. Review status: criteria provided, single submitter. Criteria: Ambry Variant Classification Scheme 2023. Collection method: clinical testing. Allele origin: germline. Not counted in ClinVar's aggregate classification.
Comment: The c.1792dupA pathogenic mutation, located in coding exon 9 of the BRCA2 gene, results from a duplication of A at nucleotide position 1792, causing a translational frameshift with a predicted alternate stop codon (p.T598Nfs*4). This variant is considered to be rare based on population cohorts in the Genome Aggregation Database (gnomAD). This alteration is expected to result in loss of function by premature protein truncation or nonsense-mediated mRNA decay. As such, this alteration is interpreted as a disease-causing mutation.

Women's Health and Genetics/Laboratory Corporation of America, LabCorp
Classification: Likely pathogenic for Hereditary breast ovarian cancer syndrome. Last evaluated: 2016-09-27. Review status: criteria provided, single submitter. Criteria: LabCorp Variant Classification Summary - May 2015. Collection method: clinical testing. Allele origin: germline. Not counted in ClinVar's aggregate classification.
Comment: Variant summary: The BRCA2 c.1792dupA (p.Thr598Asnfs) variant results in a premature termination codon, predicted to cause a truncated or absent BRCA2 protein due to nonsense mediated decay, which are commonly known mechanisms for disease. Truncations downstream of this position have been classified as pathogenic by our laboratory (e.g., c.1796_1800delCTTAT (p.Ser599X), c.1800T>A (p.Tyr600X), and c.1813delA (p.Ile605fs)). The variant of interest was not observed in controls (ExAC, 1000 Gs, or ESP), nor has it been, to our knowledge, reported in affected individuals via publications and/or reputable databases/clinical diagnostic laboratories. Therefore, until additional information becomes available, the variant of interest has been classified as Likely Pathogenic.

Literature cited by the submitters: PubMed 20104584 (cited by Labcorp Genetics (formerly Invitae), Labcorp).